The following is an entry in ClinVar:

NM_001377540.1(SLMAP):c.1327A>T (p.Thr443Ser)

Gene: SLMAP (sarcolemma associated protein; plus strand). Cytogenetic location: 3p14.3.
Variant type: single nucleotide variant.
Coding change: c.1327A>T on transcript NM_001377540.1 (MANE Select); coding-DNA position 1327, A replaced by T.
Protein change: p.Thr443Ser; replaces threonine 443 with serine.
Molecular consequence: missense variant. On other transcripts: 5 prime UTR variant (7), non-coding transcript variant (1).
Genome position (GRCh38, 1-based): chr3:57,890,067, A>T. VCF-style: chr3-57890067-A-T. GRCh37 (hg19) VCF-style: chr3-57875794-A-T.
Other names: c.1276A>T, p.Thr426Ser (NM_001304420.3, NM_001377541.1, NM_001377542.1 and 2 more transcripts); c.1162A>T, p.Thr388Ser (NM_001304421.2, NM_001377557.1, NM_001377559.1 and 1 more transcripts); c.-123A>T (NM_001304422.3, NM_001304423.3, NM_001311178.2 and 4 more transcripts); c.1327A>T, p.Thr443Ser (NM_001377538.1, NM_001377539.1, NM_001377555.1); c.1264A>T, p.Thr422Ser (NM_001377545.1, NM_001377922.1); c.1225A>T, p.Thr409Ser (NM_001377549.1, NM_001377923.1, NM_007159.5); c.1213A>T, p.Thr405Ser (NM_001377551.1, NM_001377552.1, NM_001377924.1); short protein forms T388S, T405S, T409S, T422S, T426S, T443S.
Identifiers: ClinVar variation 3225994 (VCV003225994.1), dbSNP rs2474509903, ClinGen allele CA353411486.

ClinVar aggregate classification (germline): Uncertain significance (1 of 4 stars; one submission).

Submission:

Ambry Genetics
Classification: Uncertain significance. Last evaluated: 2023-12-25. Review status: criteria provided, single submitter. Criteria: Ambry Variant Classification Scheme 2023. Collection method: clinical testing. Allele origin: germline.
Comment: The p.T409S variant (also known as c.1225A>T), located in coding exon 12 of the SLMAP gene, results from an A to T substitution at nucleotide position 1225. The threonine at codon 409 is replaced by serine, an amino acid with similar properties. This amino acid position is conserved. In addition, this alteration is predicted to be tolerated by in silico analysis. Since supporting evidence is limited at this time, the clinical significance of this alteration remains unclear.